The following is an entry in ClinVar:

NM_170707.4(LMNA):c.357-4426G>A

Gene: LMNA (lamin A/C; plus strand). Cytogenetic location: 1q22.
Variant type: single nucleotide variant.
Coding change: c.357-4426G>A on transcript NM_170707.4 (MANE Select); 4426 bases into the intron before coding-DNA position 357, G replaced by A.
Molecular consequence: intron variant. On other transcripts: 5 prime UTR variant (2).
Genome position (GRCh38, 1-based): chr1:156,126,191, G>A. VCF-style: chr1-156126191-G-A. GRCh37 (hg19) VCF-style: chr1-156095982-G-A.
Other names: c.-13G>A (NM_001257374.3); c.-100G>A (NM_001282624.2); c.357-4426G>A (NM_001282625.2, NM_001282626.2, NM_170708.4 and 1 more transcripts).
Identifiers: ClinVar variation 138125 (VCV000138125.2), dbSNP rs540937543, ClinGen allele CA014831.
Genomic context (GRCh38, chr1:156,126,191, plus strand): 5'-CTGGGAGACAGGAAATGCCCAGGGGCTGGGAGACCCTCTGCTCTTCTGCTCCCTTCCTGT[G>A]TGCTGCCTGGCAATGGGGAACTCTGAGGGCTGGTGAGCAGGGCTGCTGAGGAGTGGGTCT-3'

ClinVar aggregate classification (germline): Benign/Likely benign. Review status: criteria provided, multiple submitters, no conflicts (2 of 4 stars). 2 submissions from 2 submitters: Benign (1); Likely benign (1). Last evaluated 2024-11-21.

Allele frequency attached by ClinVar (database versions not stated): ExAC 0.00011; gnomAD exomes 0.00018 and 0.00023; 1000 Genomes Project 30x 0.00031; TOPMed 0.00033; gnomAD 0.00035 and 0.00038; 1000 Genomes Project 0.00040.
gnomAD v4.1: 303 of 1,528,128 alleles (0.02%); highest among the groups gnomAD compares: East Asian, 0.23%; 1 homozygote.

Submissions (2):

Blueprint Genetics
Classification: Likely benign. Last evaluated: 2024-11-21. Review status: criteria provided, single submitter. Criteria: ACMG Guidelines, 2015. Collection method: clinical testing. Allele origin: germline.

GeneDx
Classification: Benign. Last evaluated: 2014-05-05. Review status: criteria provided, single submitter. Criteria: GeneDx Variant Classification (06012015). Collection method: clinical testing. Allele origin: germline. Affected: yes.
Comment: This variant is considered likely benign or benign based on one or more of the following criteria: it is a conservative change, it occurs at a poorly conserved position in the protein, it is predicted to be benign by multiple in silico algorithms, and/or has population frequency not consistent with disease.